The following is an entry in ClinVar:

NM_000179.3(MSH6):c.3868A>G (p.Ile1290Val)

Gene: MSH6 (mutS homolog 6; plus strand). Cytogenetic location: 2p16.3.
Variant type: single nucleotide variant.
Coding change: c.3868A>G on transcript NM_000179.3 (MANE Select); coding-DNA position 3868, A replaced by G.
Protein change: p.Ile1290Val; replaces isoleucine 1290 with valine.
Molecular consequence: missense variant. On other transcripts: synonymous variant (1).
Genome position (GRCh38, 1-based): chr2:47,806,518, A>G. VCF-style: chr2-47806518-A-G. GRCh37 (hg19) VCF-style: chr2-48033657-A-G.
Other names: c.2962A>G, p.Ile988Val (NM_001406829.1, NM_001281493.2, NM_001281494.2 and 6 more transcripts); c.3571A>G, p.Ile1191Val (NM_001406830.1, NM_001406797.1, NM_001406801.1 and 10 more transcripts); c.1813A>G, p.Ile605Val (NM_001407362.1); c.649A>G, p.Ile217Val (NM_001406831.1); c.715A>G, p.Ile239Val (NM_001406832.1); c.3478A>G, p.Ile1160Val (NM_001281492.2); c.3964A>G, p.Ile1322Val (NM_001406795.1); c.3868A>G, p.Ile1290Val (NM_001406796.1, NM_001406808.1, NM_001406809.1); and 8 more; short protein forms I1160V, I1115V, I1264V, I1290V, I217V, I988V, I1002V, I1191V.
Identifiers: ClinVar variation 1735655 (VCV001735655.7), dbSNP rs2104557070, ClinGen allele CA346761349.

ClinVar aggregate classification (germline): Uncertain significance. Review status: criteria provided, multiple submitters, no conflicts (2 of 4 stars). 2 submissions from 2 submitters: Uncertain significance (2). Last evaluated 2022-06-04.

Conditions:
Hereditary nonpolyposis colorectal neoplasms. Identifiers: MedGen C0009405, MeSH D003123.
Hereditary cancer-predisposing syndrome. Also called: Neoplastic Syndromes, Hereditary; Tumor predisposition; Hereditary Cancer Syndrome; Hereditary neoplastic syndrome. Identifiers: Orphanet 140162, MedGen C0027672, MeSH D009386, MONDO:0015356.

Submissions (2):

Ambry Genetics
Classification: Uncertain significance for Hereditary cancer-predisposing syndrome. Last evaluated: 2022-06-04. Review status: criteria provided, single submitter. Criteria: Ambry Variant Classification Scheme 2023. Collection method: clinical testing. Allele origin: germline.
Comment: The p.I1290V variant (also known as c.3868A>G), located in coding exon 9 of the MSH6 gene, results from an A to G substitution at nucleotide position 3868. The isoleucine at codon 1290 is replaced by valine, an amino acid with highly similar properties. This amino acid position is conserved. In addition, this alteration is predicted to be tolerated by in silico analysis. Since supporting evidence is limited at this time, the clinical significance of this alteration remains unclear.

Labcorp Genetics (formerly Invitae), Labcorp
Classification: Uncertain significance for Hereditary nonpolyposis colorectal neoplasms. Last evaluated: 2022-04-15. Review status: criteria provided, single submitter. Criteria: Invitae Variant Classification Sherloc (09022015). Collection method: clinical testing. Allele origin: germline.
Comment: In summary, the available evidence is currently insufficient to determine the role of this variant in disease. Therefore, it has been classified as a Variant of Uncertain Significance. Advanced modeling of protein sequence and biophysical properties (such as structural, functional, and spatial information, amino acid conservation, physicochemical variation, residue mobility, and thermodynamic stability) performed at Invitae indicates that this missense variant is not expected to disrupt MSH6 protein function. This sequence change replaces isoleucine, which is neutral and non-polar, with valine, which is neutral and non-polar, at codon 1290 of the MSH6 protein (p.Ile1290Val). This variant is not present in population databases (gnomAD no frequency). This variant has not been reported in the literature in individuals affected with MSH6-related conditions.